The following is an entry in ClinVar:

ClinVar aggregate classification (germline): Uncertain significance (1 of 4 stars; one submission).

Conditions:
Pierson syndrome. Also called: MICROCORIA-CONGENITAL NEPHROTIC SYNDROME. Identifiers: Orphanet 2670, MedGen C1836876, MONDO:0012184, OMIM 609049.
LAMB2-related infantile-onset nephrotic syndrome. Also called: Nephrotic Syndrome, type 5; NEPHROTIC SYNDROME, TYPE 5, WITHOUT OCULAR ABNORMALITIES; NEPHROTIC SYNDROME, TYPE 5, WITH OCULAR ABNORMALITIES. Identifiers: Orphanet 306507, MedGen C3280113, MONDO:0013621, OMIM 614199.

Submission:

Labcorp Genetics (formerly Invitae), Labcorp
Classification: Uncertain significance for LAMB2-related infantile-onset nephrotic syndrome; Pierson syndrome. Last evaluated: 2022-03-07. Review status: criteria provided, single submitter. Criteria: Invitae Variant Classification Sherloc (09022015). Collection method: clinical testing. Allele origin: germline.
Comment: In summary, the available evidence is currently insufficient to determine the role of this variant in disease. Therefore, it has been classified as a Variant of Uncertain Significance. Algorithms developed to predict the effect of missense changes on protein structure and function (SIFT, PolyPhen-2, Align-GVGD) all suggest that this variant is likely to be disruptive. This variant has not been reported in the literature in individuals affected with LAMB2-related conditions. This variant is not present in population databases (gnomAD no frequency). This sequence change replaces glycine, which is neutral and non-polar, with aspartic acid, which is acidic and polar, at codon 421 of the LAMB2 protein (p.Gly421Asp).

NM_002292.4(LAMB2):c.1262G>A (p.Gly421Asp)

Gene: LAMB2 (laminin subunit beta 2; minus strand). Cytogenetic location: 3p21.31.
Variant type: single nucleotide variant.
Coding change: c.1262G>A on transcript NM_002292.4 (MANE Select); coding-DNA position 1262, G replaced by A.
Protein change: p.Gly421Asp; replaces glycine 421 with aspartic acid.
Molecular consequence: missense variant.
Genome position (GRCh38, 1-based): chr3:49,129,982, C>T on the plus strand (G>A on the coding strand, the complement: LAMB2 is on the minus strand). VCF-style: chr3-49129982-C-T. GRCh37 (hg19) VCF-style: chr3-49167415-C-T.
Other names: short protein forms G421D.
Identifiers: ClinVar variation 2106762 (VCV002106762.4), dbSNP rs2472552837, ClinGen allele CA352742158.
Genomic context (GRCh38, chr3:49,129,982, plus strand): 5'-TTGCAGCGACACTGGCCGGAGACCAGTCCCAGTGCAGGGTCATCATGGGAATCACAGCGA[C>T]CACCGTCTTGAGAACCCATGGGGTCACAATCACAGGCTGACGGCAAAAAGAGATACAGGG-3'
Protein context (NP_002283.3, residues 411-431): DCDPMGSQDG[Gly421Asp]RCDSHDDPAL